The following is an entry in ClinVar:

NM_006579.3(EBP):c.440G>A (p.Arg147His)

Gene: EBP (EBP cholestenol delta-isomerase; plus strand). Cytogenetic location: Xp11.23.
Variant type: single nucleotide variant.
Coding change: c.440G>A on transcript NM_006579.3 (MANE Select); coding-DNA position 440, G replaced by A.
Protein change: p.Arg147His; replaces arginine 147 with histidine.
Molecular consequence: missense variant.
Genome position (GRCh38, 1-based): chrX:48,527,256, G>A. VCF-style: chrX-48527256-G-A. GRCh37 (hg19) VCF-style: chrX-48385644-G-A.
Other names: short protein forms R147H.
Identifiers: ClinVar variation 11492 (VCV000011492.16), dbSNP rs28935174, ClinGen allele CA255907.
Genomic context (GRCh38, chrX:48,527,256, plus strand): 5'-GCCTGTGGGGACCACTCAGCCTGTGGGTGGTGATCGCCTTTCTCCGCCAGCATCCCCTCC[G>A]CTTCATTCTACAGCTTGTGGTCTCTGTGGGTAAGGAAAGGGCACTAGAGGGGCACTGGGC-3'
Protein context (NP_006570.1, residues 137-157): VIAFLRQHPL[Arg147His]FILQLVVSVG

ClinVar aggregate classification (germline): Pathogenic. Review status: criteria provided, multiple submitters, no conflicts (2 of 4 stars). 7 submissions from 7 submitters: Pathogenic (6). 1 of the submissions does not count toward it. Last evaluated 2026-03-25.

Conditions:
EBP-related disorders.
MEND syndrome (MEND). Also called: MALE EBP DISORDER WITH NEUROLOGIC DEFECTS. Identifiers: Orphanet 401973, MedGen C4085243, MONDO:0010498, OMIM 300960.
Chondrodysplasia punctata 2 X-linked dominant (CDPX2). Also called: EBP-Related X-Linked Chondrodysplasia Punctata; CONRADI-HUNERMANN-HAPPLE SYNDROME; HAPPLE SYNDROME; Hunermann-Conradi Syndrome. Identifiers: Orphanet 35173, MedGen C0282102, MONDO:0020603, OMIM 302960.

Submissions (7):

GeneDx
Classification: Pathogenic. Last evaluated: 2026-03-25. Review status: criteria provided, single submitter. Criteria: GeneDx Variant Classification Process June 2021. Collection method: clinical testing. Allele origin: germline.
Comment: In silico analysis supports that this missense variant has a deleterious effect on protein structure/function; This variant is associated with the following publications: (PMID: 11982764, 22121851, 10391219, 39843441, 7677157, 1355069, 11493318, 25814754, 22229330, 12824059, 12509714, 27276700, 14632217, 12483303, 11038443, 17625999, 19416264, 31299979, 30608402, 34450268, SunMA2023[Article], 10942423)

3billion
Classification: Pathogenic for Chondrodysplasia punctata 2 X-linked dominant. Last evaluated: 2022-05-22. Review status: criteria provided, single submitter. Criteria: ACMG Guidelines, 2015. Collection method: clinical testing. Allele origin: germline. Affected: yes. Observed: 1 heterozygote.
Comment: The variant is observed at an extremely low frequency in the gnomAD v2.1.1 dataset (total allele frequency: <0.001%). In silico tool predictions suggest damaging effect of the variant on gene or gene product (REVEL: 0.95; 3Cnet: 0.96). Same nucleotide change resulting in same amino acid change has been previously reported as pathogenic/likely pathogenic with strong evidence (ClinVar ID: VCV000011492). The variant has been observed in multiple (>3) similarly affected unrelated individuals (PMID:10942423, 12483303, 1355069, 24726177, 7677157). Different missense changes at the same codon (p.Arg147Cys, p.Arg147Gly) have been reported to be associated with EBP related disorder (ClinVar ID: VCV000265110 / PMID: 11493318, 26075358). Therefore, this variant is classified as pathogenic according to the recommendation of ACMG/AMP guideline.

Blueprint Genetics
Classification: Pathogenic for EBP-related disorders. Last evaluated: 2021-10-29. Review status: criteria provided, single submitter. Criteria: ACMG Guidelines, 2015. Collection method: clinical testing. Allele origin: germline. Affected: yes. Observed: 2 variant alleles.

Genetic Services Laboratory, University of Chicago
Classification: Pathogenic for Chondrodysplasia punctata, X-linked dominant. Last evaluated: 2013-02-08. Review status: criteria provided, single submitter. Criteria: ACMG Guidelines, 2007. Collection method: clinical testing. Allele origin: germline. Inheritance: X-linked inheritance. Affected: yes.

Juno Genomics, Hangzhou Juno Genomics, Inc
Classification: Pathogenic for Chondrodysplasia punctata 2 X-linked dominant; MEND syndrome. Review status: criteria provided, single submitter. Criteria: ACMG Guidelines, 2015. Collection method: clinical testing. Allele origin: germline. Affected: yes.
Comment: Absent from controls (or at extremely low frequency if recessive) in Genome Aggregation Database, Exome Sequencing Project, 1000 Genomes Project, or Exome Aggregation Consortium.;Multiple lines of computational evidence support a deleterious effect on the gene or gene product (conservation, evolutionary, splicing impact, etc).;Novel missense change at an amino acid residue where a different missense change determined to be pathogenic has been seen before.;The prevalence of the variant in affected individuals is significantly increased compared to the prevalence in controls.;De novo (both maternity and paternity confirmed) in a patient with the disease and no family history.;Patient's phenotype or family history is highly specific for a disease with a single genetic etiology.

Kasturba Medical College, Manipal, Kasturba Medical College, Manipal, Manipal Academy of Higher Education, Manipal, India
Classification: Pathogenic for Chondrodysplasia punctata 2 X-linked dominant. Review status: criteria provided, single submitter. Criteria: ACMG Guidelines, 2015. Collection method: clinical testing. Allele origin: de novo. Inheritance: X-linked inheritance. Affected: yes. Observed: 1 variant allele, 1 heterozygote.

OMIM
Classification: Pathogenic for CHONDRODYSPLASIA PUNCTATA 2, X-LINKED DOMINANT. Last evaluated: 2003-01-01. Review status: no assertion criteria provided. Collection method: literature only. Allele origin: germline. Not counted in ClinVar's aggregate classification.

Literature cited by the submitters: PubMed 1355069 (cited by 3billion and OMIM); PubMed 12483303 (cited by 3billion and OMIM); PubMed 7677157 (cited by 3billion and OMIM); PubMed 11493318 (cited by 3billion); PubMed 10942423 (cited by 3 submitters); PubMed 24726177 (cited by 3billion); PubMed 26075358 (cited by 3billion).